The following is an entry in ClinVar:

ClinVar aggregate classification (germline): Uncertain significance (1 of 4 stars; one submission).

Submission:

GeneDx
Classification: Uncertain significance. Last evaluated: 2016-03-18. Review status: criteria provided, single submitter. Criteria: GeneDx Variant Classification (06012015). Collection method: clinical testing. Allele origin: germline. Affected: yes.
Comment: A variant of uncertain significance has been identified in the CASR gene. The L242R variant has not been published as a pathogenic variant, nor has it been reported as a benign variant to our knowledge. The variant was not observed in approximately 6,500 individuals of European and African American ancestry in the NHLBI Exome Sequencing Project, indicating it is not a common benign variant in these populations. L242R is a non-conservative amino acid substitution, which is likely to impact secondary protein structure as these residues differ in polarity, charge, size and/or other properties. This substitution occurs at a position that is conserved in mammals; however, in silico analysis is inconsistent in its predictions as to whether or not the variant is damaging to the protein structure/function. Therefore, based on the currently available information, it is unclear whether this variant is a pathogenic variant or a rare benign variant.

NM_000388.4(CASR):c.725T>G (p.Leu242Arg)

Gene: CASR (calcium sensing receptor; plus strand). Cytogenetic location: 3q21.1.
Variant type: single nucleotide variant.
Coding change: c.725T>G on transcript NM_000388.4 (MANE Select); coding-DNA position 725, T replaced by G.
Protein change: p.Leu242Arg; replaces leucine 242 with arginine.
Molecular consequence: missense variant.
Genome position (GRCh38, 1-based): chr3:122,261,760, T>G. VCF-style: chr3-122261760-T-G. GRCh37 (hg19) VCF-style: chr3-121980607-T-G.
Other names: c.725T>G, p.Leu242Arg (NM_001178065.2); short protein forms L242R.
Identifiers: ClinVar variation 420744 (VCV000420744.2), dbSNP rs1064794676, ClinGen allele CA16617815.